The following is an entry in ClinVar:

ClinVar aggregate classification (germline): Uncertain significance (1 of 4 stars; one submission).

Conditions:
Polycystic kidney disease, adult type (PKD1). Also called: Polycystic Kidney, Autosomal Dominant; POLYCYSTIC KIDNEY DISEASE, ADULT, TYPE I; Polycystic Kidney Disease 1, Autosomal Dominant; Polycystic kidney disease 1; Polycystic kidney disease 1, severe; POLYCYSTIC KIDNEY DISEASE 1 WITH OR WITHOUT POLYCYSTIC LIVER DISEASE. Identifiers: MedGen C3149841, MONDO:0008263, OMIM 173900.

gnomAD v4.1: 6 of 1,570,166 alleles (0.00038%); highest among the groups gnomAD compares: Non-Finnish European, 0.00043%; no homozygotes.

Submission:

Victorian Clinical Genetics Services, Murdoch Childrens Research Institute
Classification: Uncertain significance for Polycystic kidney disease, adult type. Last evaluated: 2025-08-19. Review status: criteria provided, single submitter. Criteria: ACMG Guidelines, 2015. Collection method: clinical testing. Allele origin: germline. Affected: yes.
Comment: This variant is classified as VUS-3B. Evidence in support of pathogenic classification: Variant is present in gnomAD <0.001 for a dominant condition (v4: 6 heterozygote(s), 0 homozygote(s)). Additional information: Variant is predicted to result in a missense amino acid change from Thr to Lys; This variant is heterozygous; This gene is associated with autosomal dominant disease. Polycystic kidney disease 1 (MIM#173900) is predominantly caused by monoallelic variants, with rare reports of biallelic variants causing disease (OMIM); Alternative amino acid change(s) at the same position are present in gnomAD (Highest allele count: v4: 7 heterozygote(s), 0 homozygote(s)); This variant has no previous evidence of pathogenicity; No published evidence of segregation with disease has been identified for this variant; No published functional evidence has been identified for this variant; Another missense variant comparable to the one identified in this case has inconclusive previous evidence for pathogenicity. p.(Thr3322Ile) has been classified as a VUS by a clinical laboratory in ClinVar; Variant is not located in an established domain, motif, hotspot or informative constraint region; Missense variant with inconclusive in silico prediction and uninformative conservation; Loss of function is a known mechanism of disease in this gene and is associated with polycystic kidney disease 1 (MIM#173900); Inheritance information for this variant is not currently available in this individual.

NM_001009944.3(PKD1):c.9965C>A (p.Thr3322Lys)

Gene: PKD1 (polycystin 1, transient receptor potential channel interacting; minus strand). Cytogenetic location: 16p13.3.
Variant type: single nucleotide variant.
Coding change: c.9965C>A on transcript NM_001009944.3 (MANE Select); coding-DNA position 9965, C replaced by A.
Protein change: p.Thr3322Lys; replaces threonine 3322 with lysine.
Molecular consequence: missense variant.
Genome position (GRCh38, 1-based): chr16:2,099,729, G>T on the plus strand (C>A on the coding strand, the complement: PKD1 is on the minus strand). VCF-style: chr16-2099729-G-T. GRCh37 (hg19) VCF-style: chr16-2149730-G-T.
Other names: c.9965C>A, p.Thr3322Lys (NM_000296.4); short protein forms T3322K.
Identifiers: ClinVar variation 4531545 (VCV004531545.1).